The following is an entry in ClinVar:

NM_000052.7(ATP7A):c.3498T>A (p.Asp1166Glu)

Gene: ATP7A (ATPase copper transporting alpha; plus strand). Cytogenetic location: Xq21.1.
Variant type: single nucleotide variant.
Coding change: c.3498T>A on transcript NM_000052.7 (MANE Select); coding-DNA position 3498, T replaced by A.
Protein change: p.Asp1166Glu; replaces aspartic acid 1166 with glutamic acid.
Molecular consequence: missense variant. On other transcripts: non-coding transcript variant (1).
Genome position (GRCh38, 1-based): chrX:78,033,808, T>A. VCF-style: chrX-78033808-T-A. GRCh37 (hg19) VCF-style: chrX-77289306-T-A.
Other names: c.3264T>A, p.Asp1088Glu (NM_001282224.2); short protein forms D1088E, D1166E.
Identifiers: ClinVar variation 1901666 (VCV001901666.5), dbSNP rs2077996988, ClinGen allele CA413604297.

ClinVar aggregate classification (germline): Uncertain significance (1 of 4 stars; one submission).

Conditions:
Cutis laxa, X-linked (OHS). Also called: EDS IX; Occipital horn syndrome. Identifiers: Orphanet 198, MedGen C0268353, MONDO:0010572, OMIM 304150.
Menkes kinky-hair syndrome (MNK). Also called: Classic Menkes Disease; Copper transport disease; Menkes Disease. Identifiers: Orphanet 565, MedGen C0022716, MONDO:0010651, OMIM 309400.
X-linked distal spinal muscular atrophy type 3. Also called: NEURONOPATHY, DISTAL HEREDITARY MOTOR, X-LINKED; NEUROPATHY, DISTAL HEREDITARY MOTOR, X-LINKED; ATP7A-Related Distal Motor Neuropathy; SPINAL MUSCULAR ATROPHY, DISTAL, X-LINKED RECESSIVE. Identifiers: Orphanet 139557, MedGen C1845359, MONDO:0010338, OMIM 300489.

Allele frequency attached by ClinVar (database versions not stated): gnomAD exomes below 0.00001; TOPMed 0.00002.

Submission:

Labcorp Genetics (formerly Invitae), Labcorp
Classification: Uncertain significance for X-linked distal spinal muscular atrophy type 3; Cutis laxa, X-linked; Menkes kinky-hair syndrome. Last evaluated: 2022-03-06. Review status: criteria provided, single submitter. Criteria: Invitae Variant Classification Sherloc (09022015). Collection method: clinical testing. Allele origin: germline.
Comment: This variant is not present in population databases (gnomAD no frequency). This sequence change replaces aspartic acid, which is acidic and polar, with glutamic acid, which is acidic and polar, at codon 1166 of the ATP7A protein (p.Asp1166Glu). In summary, the available evidence is currently insufficient to determine the role of this variant in disease. Therefore, it has been classified as a Variant of Uncertain Significance. This variant has not been reported in the literature in individuals affected with ATP7A-related conditions. Advanced modeling of protein sequence and biophysical properties (such as structural, functional, and spatial information, amino acid conservation, physicochemical variation, residue mobility, and thermodynamic stability) performed at Invitae indicates that this missense variant is not expected to disrupt ATP7A protein function. Algorithms developed to predict the effect of sequence changes on RNA splicing suggest that this variant may create or strengthen a splice site.